The following is an entry in ClinVar:

ClinVar aggregate classification (germline): Pathogenic/Likely pathogenic. Review status: criteria provided, multiple submitters, no conflicts (2 of 4 stars). 2 submissions from 2 submitters: Pathogenic (1); Likely pathogenic (1). Last evaluated 2022-06-02.

Conditions:
Charcot-Marie-Tooth disease axonal type 2O. Also called: CHARCOT-MARIE-TOOTH NEUROPATHY, AXONAL, TYPE 2O; CHARCOT-MARIE-TOOTH DISEASE, AXONAL, AUTOSOMAL DOMINANT, TYPE 2O; Charcot-Marie-Tooth disease, axonal, type 20; Charcot-Marie-Tooth Neuropathy Type 2O. Identifiers: Orphanet 284232, MedGen C3280220, MONDO:0013644, OMIM 614228.

Submissions (2):

Labcorp Genetics (formerly Invitae), Labcorp
Classification: Pathogenic for Charcot-Marie-Tooth disease axonal type 2O. Last evaluated: 2022-06-02. Review status: criteria provided, single submitter. Criteria: Invitae Variant Classification Sherloc (09022015). Collection method: clinical testing. Allele origin: germline.
Comment: This missense change has been observed in individual(s) with clinical features of DYNC1H1-related conditions (Invitae). In at least one individual the variant was observed to be de novo. This variant is not present in population databases (gnomAD no frequency). This sequence change replaces arginine, which is basic and polar, with serine, which is neutral and polar, at codon 251 of the DYNC1H1 protein (p.Arg251Ser). ClinVar contains an entry for this variant (Variation ID: 1315552). For these reasons, this variant has been classified as Pathogenic. This variant disrupts the p.Arg251 amino acid residue in DYNC1H1. Other variant(s) that disrupt this residue have been determined to be pathogenic (PMID: 26392352, 30122514; Invitae). This suggests that this residue is clinically significant, and that variants that disrupt this residue are likely to be disease-causing. Algorithms developed to predict the effect of missense changes on protein structure and function are either unavailable or do not agree on the potential impact of this missense change (SIFT: "Deleterious"; PolyPhen-2: "Benign"; Align-GVGD: "Class C0").

GeneDx
Classification: Likely pathogenic. Last evaluated: 2021-10-27. Review status: criteria provided, single submitter. Criteria: GeneDx Variant Classification Process June 2021. Collection method: clinical testing. Allele origin: germline. Affected: yes.
Comment: Not observed at significant frequency in large population cohorts (Lek et al., 2016); In silico analysis supports that this missense variant has a deleterious effect on protein structure/function; Has not been previously published as pathogenic or benign to our knowledge; This variant is associated with the following publications: (PMID: 25512093, 25609763, 26100331)

Literature cited by the submitters: PubMed 26392352 (cited by Labcorp Genetics (formerly Invitae), Labcorp); PubMed 30122514 (cited by Labcorp Genetics (formerly Invitae), Labcorp).

NM_001376.5(DYNC1H1):c.751C>A (p.Arg251Ser)

Gene: DYNC1H1 (dynein cytoplasmic 1 heavy chain 1; plus strand). Cytogenetic location: 14q32.31.
Variant type: single nucleotide variant.
Coding change: c.751C>A on transcript NM_001376.5 (MANE Select); coding-DNA position 751, C replaced by A.
Protein change: p.Arg251Ser; replaces arginine 251 with serine.
Molecular consequence: missense variant.
Genome position (GRCh38, 1-based): chr14:101,979,951, C>A. VCF-style: chr14-101979951-C-A. GRCh37 (hg19) VCF-style: chr14-102446288-C-A.
Other names: short protein forms R251S.
Identifiers: ClinVar variation 1315552 (VCV001315552.6), dbSNP rs879253979, ClinGen allele CA391009071.